The following is an entry in ClinVar:

ClinVar aggregate classification (germline): Pathogenic (1 of 4 stars; one submission).

Conditions:
Microcephaly, normal intelligence and immunodeficiency (NBS). Also called: BERLIN BREAKAGE SYNDROME; Immunodeficiency, microcephaly with normal intelligence; Nijmegen breakage syndrome; Microcephaly with normal intelligence immunodeficiency and lymphoreticular malignancies; Nonsyndromal microcephaly autosomal recessive with normal intelligence; Seemanova syndrome 2. Identifiers: Orphanet 647, MedGen C0398791, MONDO:0009623, OMIM 251260.

Submission:

Labcorp Genetics (formerly Invitae), Labcorp
Classification: Pathogenic for Microcephaly, normal intelligence and immunodeficiency. Last evaluated: 2021-09-29. Review status: criteria provided, single submitter. Criteria: Invitae Variant Classification Sherloc (09022015). Collection method: clinical testing. Allele origin: germline.
Comment: For these reasons, this variant has been classified as Pathogenic. This variant has not been reported in the literature in individuals affected with NBN-related conditions. This variant is not present in population databases (ExAC no frequency). This sequence change creates a premature translational stop signal (p.Asp376Ilefs*2) in the NBN gene. It is expected to result in an absent or disrupted protein product. Loss-of-function variants in NBN are known to be pathogenic (PMID: 9590180, 16415040).

Literature cited by the submitters: PubMed 9590180; PubMed 16415040.

NC_000008.11:g.89955556del

Gene: NBN (nibrin; minus strand). Cytogenetic location: 8q21.3.
Variant type: Deletion.
Genome position: GRCh38 VCF-style: chr8-89955553-TC-T. GRCh37 (hg19) VCF-style: chr8-90967781-TC-T.
Identifiers: ClinVar variation 1460198 (VCV001460198.6), dbSNP rs2129722387, ClinGen allele CA2573143347.